The following is an entry in ClinVar:

ClinVar aggregate classification (germline): Uncertain significance. Review status: criteria provided, multiple submitters, no conflicts (2 of 4 stars). 2 submissions from 2 submitters: Uncertain significance (2). Last evaluated 2024-05-13.

Conditions:
Inborn genetic diseases. Identifiers: MedGen C0950123, MeSH D030342.

Allele frequency attached by ClinVar (database versions not stated): gnomAD exomes below 0.00001; TOPMed below 0.00001; ExAC 0.00001.
gnomAD v4.1: 2 of 1,614,210 alleles (0.00012%); highest among the groups gnomAD compares: Admixed American, 0.0033%; no homozygotes.

Submissions (2):

Ambry Genetics
Classification: Uncertain significance for Inborn genetic diseases. Last evaluated: 2024-05-13. Review status: criteria provided, single submitter. Criteria: Ambry Variant Classification Scheme 2023. Collection method: clinical testing. Allele origin: germline.

Mayo Clinic Laboratories, Mayo Clinic
Classification: Uncertain significance. Last evaluated: 2022-03-01. Review status: criteria provided, single submitter. Criteria: ACMG Guidelines, 2015. Collection method: clinical testing. Allele origin: germline. Observed: 1 variant allele.
Comment: PM2

NM_000289.6(PFKM):c.1286A>G (p.Gln429Arg)

Gene: PFKM (phosphofructokinase, muscle; plus strand). Cytogenetic location: 12q13.11.
Variant type: single nucleotide variant.
Coding change: c.1286A>G on transcript NM_000289.6 (MANE Select); coding-DNA position 1286, A replaced by G.
Protein change: p.Gln429Arg; replaces glutamine 429 with arginine.
Molecular consequence: missense variant. On other transcripts: non-coding transcript variant (6).
Genome position (GRCh38, 1-based): chr12:48,140,816, A>G. VCF-style: chr12-48140816-A-G. GRCh37 (hg19) VCF-style: chr12-48534599-A-G.
Other names: p.Gln429Arg; c.1499A>G, p.Gln500Arg (NM_001166686.2, NM_001354737.1, NM_001354738.1 and 1 more transcripts); c.1286A>G, p.Gln429Arg (NM_001166687.2, NM_001166688.2, NM_001354742.2 and 2 more transcripts); c.1595A>G, p.Gln532Arg (NM_001354735.1, NM_001354736.1); c.1430A>G, p.Gln477Arg (NM_001354740.1); c.1310A>G, p.Gln437Arg (NM_001354741.2); c.1199A>G, p.Gln400Arg (NM_001354745.2); c.1160A>G, p.Gln387Arg (NM_001354746.2); and 2 more; short protein forms Q379R, Q387R, Q398R, Q400R, Q429R, Q437R, Q477R, Q500R.
Identifiers: ClinVar variation 2683195 (VCV002683195.2), dbSNP rs746709894, ClinGen allele CA6537301.